The following is an entry in ClinVar:

NM_000455.5(STK11):c.61G>T (p.Gly21Cys)

Gene: STK11 (serine/threonine kinase 11; plus strand). Cytogenetic location: 19p13.3.
Variant type: single nucleotide variant.
Coding change: c.61G>T on transcript NM_000455.5 (MANE Select); coding-DNA position 61, G replaced by T.
Protein change: p.Gly21Cys; replaces glycine 21 with cysteine.
Molecular consequence: missense variant.
Genome position (GRCh38, 1-based): chr19:1,206,974, G>T. VCF-style: chr19-1206974-G-T. GRCh37 (hg19) VCF-style: chr19-1206973-G-T.
Other names: short protein forms G21C.
Identifiers: ClinVar variation 837670 (VCV000837670.10), dbSNP rs1064793751, ClinGen allele CA402943379.

ClinVar aggregate classification (germline): Uncertain significance. Review status: criteria provided, multiple submitters, no conflicts (2 of 4 stars). 2 submissions from 2 submitters: Uncertain significance (2). Last evaluated 2025-01-31.

Conditions:
Peutz-Jeghers syndrome (PJS). Also called: Peutz-Jeghers polyposis; Periorificial lentiginosis syndrome; POLYPOSIS, HAMARTOMATOUS INTESTINAL; POLYPS-AND-SPOTS SYNDROME. Identifiers: Orphanet 2869, MedGen C0031269, MeSH D010580, MONDO:0008280, OMIM 175200.
Hereditary cancer-predisposing syndrome. Also called: Neoplastic Syndromes, Hereditary; Hereditary neoplastic syndrome; Tumor predisposition; Hereditary Cancer Syndrome. Identifiers: Orphanet 140162, MedGen C0027672, MeSH D009386, MONDO:0015356.

Submissions (2):

Ambry Genetics
Classification: Uncertain significance for Hereditary cancer-predisposing syndrome. Last evaluated: 2025-01-31. Review status: criteria provided, single submitter. Criteria: Ambry Variant Classification Scheme 2023. Collection method: clinical testing. Allele origin: germline.
Comment: The p.G21C variant (also known as c.61G>T), located in coding exon 1 of the STK11 gene, results from a G to T substitution at nucleotide position 61. The glycine at codon 21 is replaced by cysteine, an amino acid with highly dissimilar properties. This amino acid position is conserved. In addition, the in silico prediction for this alteration is inconclusive. Based on the available evidence, the clinical significance of this variant remains unclear.

Labcorp Genetics (formerly Invitae), Labcorp
Classification: Uncertain significance for Peutz-Jeghers syndrome. Last evaluated: 2019-02-14. Review status: criteria provided, single submitter. Criteria: Invitae Variant Classification Sherloc (09022015). Collection method: clinical testing. Allele origin: germline.
Comment: In summary, the available evidence is currently insufficient to determine the role of this variant in disease. Therefore, it has been classified as a Variant of Uncertain Significance. Algorithms developed to predict the effect of missense changes on protein structure and function are either unavailable or do not agree on the potential impact of this missense change (SIFT: "Tolerated"; PolyPhen-2: "Probably Damaging"; Align-GVGD: "Class C0"). This variant has not been reported in the literature in individuals with STK11-related conditions. This variant is not present in population databases (ExAC no frequency). This sequence change replaces glycine with cysteine at codon 21 of the STK11 protein (p.Gly21Cys). The glycine residue is moderately conserved and there is a large physicochemical difference between glycine and cysteine.